The following is an entry in ClinVar:

ClinVar aggregate classification (germline): Conflicting classifications of pathogenicity. Review status: criteria provided, conflicting classifications (1 of 4 stars). 2 submissions from 2 submitters: Uncertain significance (1); Likely benign (1). Last evaluated 2026-07-23.

Conditions:
Ataxia-telangiectasia syndrome (AT). Also called: LOUIS-BAR SYNDROME; Ataxia telangiectasia (A-T); Cerebello-oculocutaneous telangiectasia; Immunodeficiency with ataxia telangiectasia; Ataxia-telangiectasia, complementation group E; Ataxia-telangiectasia, complementation group D. Identifiers: Orphanet 100, MedGen C0004135, MONDO:0008840, OMIM 208900.
Hereditary cancer-predisposing syndrome. Also called: Hereditary Cancer Syndrome; Hereditary neoplastic syndrome; Neoplastic Syndromes, Hereditary; Tumor predisposition. Identifiers: Orphanet 140162, MedGen C0027672, MeSH D009386, MONDO:0015356.

Submissions (2):

Ambry Genetics
Classification: Likely benign for Hereditary cancer-predisposing syndrome. Last evaluated: 2026-07-23. Review status: criteria provided, single submitter. Criteria: Ambry Variant Classification Scheme 2023. Collection method: clinical testing. Allele origin: germline.

Labcorp Genetics (formerly Invitae), Labcorp
Classification: Uncertain significance for Ataxia-telangiectasia syndrome. Last evaluated: 2025-10-13. Review status: criteria provided, single submitter. Criteria: Invitae Variant Classification Sherloc (09022015). Collection method: clinical testing. Allele origin: germline.
Comment: This sequence change replaces glutamic acid, which is acidic and polar, with lysine, which is basic and polar, at codon 394 of the ATM protein (p.Glu394Lys). This variant is not present in population databases (gnomAD no frequency). This variant has not been reported in the literature in individuals affected with ATM-related conditions. Invitae Evidence Modeling of protein sequence and biophysical properties (such as structural, functional, and spatial information, amino acid conservation, physicochemical variation, residue mobility, and thermodynamic stability) indicates that this missense variant is not expected to disrupt ATM protein function with a negative predictive value of 95%. In summary, the available evidence is currently insufficient to determine the role of this variant in disease. Therefore, it has been classified as a Variant of Uncertain Significance.

NM_000051.4(ATM):c.1180G>A (p.Glu394Lys)

Gene: ATM (ATM serine/threonine kinase; plus strand). Cytogenetic location: 11q22.3.
Variant type: single nucleotide variant.
Coding change: c.1180G>A on transcript NM_000051.4 (MANE Select); coding-DNA position 1180, G replaced by A.
Protein change: p.Glu394Lys; replaces glutamic acid 394 with lysine.
Molecular consequence: missense variant.
Genome position (GRCh38, 1-based): chr11:108,249,047, G>A. VCF-style: chr11-108249047-G-A. GRCh37 (hg19) VCF-style: chr11-108119774-G-A.
Other names: c.1180G>A, p.Glu394Lys (NM_001351834.2); short protein forms E394K.
Identifiers: ClinVar variation 4747171 (VCV004747171.2).